The following is an entry in ClinVar:

ClinVar aggregate classification (germline): Benign/Likely benign. Review status: criteria provided, multiple submitters, no conflicts (2 of 4 stars). 12 submissions from 12 submitters: Benign (3); Likely benign (6). 3 of the submissions do not count toward it. Last evaluated 2026-09-01.

Conditions:
Cardiovascular phenotype. Identifiers: MedGen CN230736.
Ehlers-Danlos syndrome (EDS). Identifiers: Orphanet 98249, MedGen C0013720, MONDO:0020066.

Allele frequency attached by ClinVar (database versions not stated): 1000 Genomes Project 30x 0.00234; gnomAD 0.00237 and 0.00253; 1000 Genomes Project 0.00240; gnomAD exomes 0.00314 and 0.00186; ExAC 0.00324; TOPMed 0.00130; ESP Exome Variant Server 0.00144.
gnomAD v4.1: 3,107 of 1,612,546 alleles (0.19%); highest among the groups gnomAD compares: South Asian, 0.66%; 20 homozygotes.

Submissions (12):

CeGaT Center for Human Genetics Tuebingen
Classification: Likely benign. Last evaluated: 2026-09-01. Review status: criteria provided, single submitter. Criteria: CeGaT Center For Human Genetics Tuebingen Variant Classification Criteria Version 2. Collection method: clinical testing. Allele origin: germline. Affected: yes. Observed: 12 variant alleles.
Comment: TNXB: BP4, BP7

Women's Health and Genetics/Laboratory Corporation of America, LabCorp
Classification: Benign. Last evaluated: 2026-04-06. Review status: criteria provided, single submitter. Criteria: LabCorp Variant Classification Summary - May 2015. Collection method: clinical testing. Allele origin: germline.

Labcorp Genetics (formerly Invitae), Labcorp
Classification: Benign. Last evaluated: 2026-01-26. Review status: criteria provided, single submitter. Criteria: Invitae Variant Classification Sherloc (09022015). Collection method: clinical testing. Allele origin: germline.

Blueprint Genetics
Classification: Likely benign. Last evaluated: 2024-11-25. Review status: criteria provided, single submitter. Criteria: ACMG Guidelines, 2015. Collection method: clinical testing. Allele origin: germline.

Mayo Clinic Laboratories, Mayo Clinic
Classification: Likely benign. Last evaluated: 2024-10-22. Review status: criteria provided, single submitter. Criteria: ACMG Guidelines, 2015. Collection method: clinical testing. Allele origin: germline. Observed: 14 variant alleles.
Comment: BS1, BS2, BP4, BP7

Genome Diagnostics Laboratory, The Hospital for Sick Children
Classification: Likely benign for Ehlers-Danlos syndrome. Last evaluated: 2021-09-29. Review status: criteria provided, single submitter. Criteria: ACMG Guidelines, 2015. Collection method: clinical testing. Allele origin: germline.

GeneDx
Classification: Likely benign. Last evaluated: 2021-01-27. Review status: criteria provided, single submitter. Criteria: GeneDx Variant Classification Process June 2021. Collection method: clinical testing. Allele origin: germline. Affected: yes.

Ambry Genetics
Classification: Benign for Cardiovascular phenotype. Last evaluated: 2019-03-04. Review status: criteria provided, single submitter. Criteria: Ambry Variant Classification Scheme 2023. Collection method: clinical testing. Allele origin: germline.

Breakthrough Genomics
Classification: Likely benign. Review status: criteria provided, single submitter. Criteria: ACMG Guidelines, 2015. Collection method: not provided. Allele origin: germline. Inheritance: Autosomal recessive inheritance. Affected: yes.

Clinical Genetics DNA and cytogenetics Diagnostics Lab, Erasmus MC, Erasmus Medical Center
Classification: Likely benign. Review status: no assertion criteria provided. Collection method: clinical testing. Allele origin: germline. Affected: yes. Study: VKGL Data-share Consensus. Not counted in ClinVar's aggregate classification.

Genome Diagnostics Laboratory, Amsterdam University Medical Center
Classification: Likely benign. Review status: no assertion criteria provided. Collection method: clinical testing. Allele origin: germline. Affected: yes. Study: VKGL Data-share Consensus. Not counted in ClinVar's aggregate classification.

Genome Diagnostics Laboratory, University Medical Center Utrecht
Classification: Likely benign. Review status: no assertion criteria provided. Collection method: clinical testing. Allele origin: germline. Affected: yes. Study: VKGL Data-share Consensus. Not counted in ClinVar's aggregate classification.

NM_001365276.2(TNXB):c.9612C>T (p.Asp3204=)

Gene: TNXB (tenascin XB; minus strand). Cytogenetic location: 6p21.33.
Variant type: single nucleotide variant.
Coding change: c.9612C>T on transcript NM_001365276.2 (MANE Select); coding-DNA position 9612, C replaced by T.
Protein change: p.Asp3204=; no amino-acid change (aspartic acid 3204 retained).
Molecular consequence: synonymous variant.
Genome position (GRCh38, 1-based): chr6:32,049,415, G>A on the plus strand (C>T on the coding strand, the complement: TNXB is on the minus strand). VCF-style: chr6-32049415-G-A. GRCh37 (hg19) VCF-style: chr6-32017192-G-A.
Other names: p.Asp3202=; c.9606C>T, p.Asp3202= (NM_019105.8).
Identifiers: ClinVar variation 1209938 (VCV001209938.48), dbSNP rs61746872, ClinGen allele CA3733465.
Genomic context (GRCh38, chr6:32,049,415, plus strand): 5'-CAGGCCCCCCACGGTGACCTCGCTCTCCTCGCCCCTGACACGCACCACCTGGGGCTGCCC[G>A]TCCCTGTCCTTGTACTGCACGGTGAAGGAGTCGAAGCGGCCCTGGGGGACGGTCCAGGAG-3'
Protein context (NP_001352205.1, residues 3194-3214): DSFTVQYKDR[Asp3204=]GQPQVVRVRG